The following is an entry in ClinVar:

NM_001170700.3(DTHD1):c.2527G>T (p.Asp843Tyr)

Gene: DTHD1 (death domain containing 1; plus strand). Cytogenetic location: 4p14.
Variant type: single nucleotide variant.
Coding change: c.2527G>T on transcript NM_001170700.3 (MANE Select); coding-DNA position 2527, G replaced by T.
Protein change: p.Asp843Tyr; replaces aspartic acid 843 with tyrosine.
Molecular consequence: missense variant. On other transcripts: non-coding transcript variant (2).
Genome position (GRCh38, 1-based): chr4:36,343,630, G>T. VCF-style: chr4-36343630-G-T. GRCh37 (hg19) VCF-style: chr4-36345252-G-T.
Other names: c.1657G>T, p.Asp553Tyr (NM_001136536.5); c.1536G>T, p.Met512Ile (NM_001378435.1); short protein forms D843Y, M512I, D553Y.
Identifiers: ClinVar variation 1506408 (VCV001506408.7), dbSNP rs543928536, ClinGen allele CA2885749.

ClinVar aggregate classification (germline): Conflicting classifications of pathogenicity. Review status: criteria provided, conflicting classifications (1 of 4 stars). 2 submissions from 2 submitters: Uncertain significance (1); Likely benign (1). Last evaluated 2024-09-24.

Allele frequency attached by ClinVar (database versions not stated): TOPMed 0.00002; gnomAD 0.00004; gnomAD exomes 0.00007 and 0.00023; 1000 Genomes Project 30x 0.00016; 1000 Genomes Project 0.00020; ExAC 0.00040.
gnomAD v4.1: 108 of 1,551,876 alleles (0.007%); highest among the groups gnomAD compares: South Asian, 0.12%; no homozygotes.

Submissions (2):

Blueprint Genetics
Classification: Likely benign. Last evaluated: 2024-09-24. Review status: criteria provided, single submitter. Criteria: ACMG Guidelines, 2015. Collection method: clinical testing. Allele origin: germline.

Labcorp Genetics (formerly Invitae), Labcorp
Classification: Uncertain significance. Last evaluated: 2022-10-13. Review status: criteria provided, single submitter. Criteria: Invitae Variant Classification Sherloc (09022015). Collection method: clinical testing. Allele origin: germline.
Comment: This sequence change replaces aspartic acid, which is acidic and polar, with tyrosine, which is neutral and polar, at codon 553 of the DTHD1 protein (p.Asp553Tyr). This variant is present in population databases (rs543928536, gnomAD 0.2%), and has an allele count higher than expected for a pathogenic variant. This variant has not been reported in the literature in individuals affected with DTHD1-related conditions. ClinVar contains an entry for this variant (Variation ID: 1506408). Algorithms developed to predict the effect of missense changes on protein structure and function are either unavailable or do not agree on the potential impact of this missense change (SIFT: "Deleterious"; PolyPhen-2: "Probably Damaging"; Align-GVGD: "Class C0"). Algorithms developed to predict the effect of sequence changes on RNA splicing suggest that this variant may create or strengthen a splice site. In summary, the available evidence is currently insufficient to determine the role of this variant in disease. Therefore, it has been classified as a Variant of Uncertain Significance.